The following is an entry in ClinVar:

NM_000492.4(CFTR):c.1068G>A (p.Trp356Ter)

Gene: CFTR (CF transmembrane conductance regulator; plus strand). Cytogenetic location: 7q31.2.
Variant type: single nucleotide variant.
Coding change: c.1068G>A on transcript NM_000492.4 (MANE Select); coding-DNA position 1068, G replaced by A.
Protein change: p.Trp356Ter; replaces tryptophan 356 with a stop codon.
Molecular consequence: nonsense.
Genome position (GRCh38, 1-based): chr7:117,540,298, G>A. VCF-style: chr7-117540298-G-A. GRCh37 (hg19) VCF-style: chr7-117180352-G-A.
Other names: W356X; short protein forms W356*.
Identifiers: ClinVar variation 1706062 (VCV001706062.2), dbSNP rs397508150, ClinGen allele CA326384.
Genomic context (GRCh38, chr7:117,540,298, plus strand): 5'-ATTCACCACCATCTCATTCTGCATTGTTCTGCGCATGGCGGTCACTCGGCAATTTCCCTG[G>A]GCTGTACAAACATGGTATGACTCTCTTGGAGCAATAAACAAAATACAGGTAATGTACCAT-3'

ClinVar aggregate classification (germline): Pathogenic. Review status: criteria provided, multiple submitters, no conflicts (2 of 4 stars). 2 submissions from 2 submitters: Pathogenic (2). Last evaluated 2023-04-06.

Conditions:
Bronchiectasis with or without elevated sweat chloride 1 (BESC1). Also called: Cystic Fibrosis-Like Syndrome. Identifiers: Orphanet 60033, MedGen C2749757, MONDO:0008887, OMIM 211400.
Cystic fibrosis (CF). Also called: MUCOVISCIDOSIS. Identifiers: Orphanet 586, MedGen C0010674, MONDO:0009061, OMIM 219700. Disease mechanism: loss of function.

Allele frequency attached by ClinVar (database versions not stated): gnomAD exomes below 0.00001.
gnomAD v4.1: 1 of 1,613,876 alleles (0.000062%); highest among the groups gnomAD compares: Non-Finnish European, 0.000085%; no homozygotes.

Submissions (2):

Baylor Genetics
Classification: Pathogenic for Bronchiectasis with or without elevated sweat chloride 1. Last evaluated: 2023-04-06. Review status: criteria provided, single submitter. Criteria: ACMG Guidelines, 2015. Collection method: clinical testing. Allele origin: unknown.

Institute of Human Genetics, University of Leipzig Medical Center
Classification: Pathogenic for Cystic fibrosis. Last evaluated: 2022-09-05. Review status: criteria provided, single submitter. Criteria: ACMG Guidelines, 2015. Collection method: curation. Allele origin: unknown. Affected: yes. Observed: 1 variant allele.
Comment: The variant was classified in the context of a project re-classifying variants in the German Cystic Fibrosis Registry (Muko.e.V.). Criteria applied: PVS1, PM3, PM2_SUP, PP4